The following is an entry in ClinVar:

ClinVar aggregate classification (germline): Uncertain significance. Review status: criteria provided, multiple submitters, no conflicts (2 of 4 stars). 4 submissions from 4 submitters: Uncertain significance (4). Last evaluated 2025-09-18.

Conditions:
Familial thoracic aortic aneurysm and aortic dissection (TAAD). Also called: Thoracic aortic aneurysms and dissections. Identifiers: Orphanet 91387, MedGen C4707243, MONDO:0019625.
Aortic aneurysm, familial thoracic 4 (AAT4). Also called: AORTIC ANEURYSM/AORTIC DISSECTION AND PATENT DUCTUS ARTERIOSUS. Identifiers: MedGen C1851504, MONDO:0007568, OMIM 132900.

Allele frequency attached by ClinVar (database versions not stated): TOPMed below 0.00001; gnomAD exomes 0.00001.
gnomAD v4.1: 4 of 1,614,200 alleles (0.00025%); highest among the groups gnomAD compares: African/African-American, 0.0013%; no homozygotes.

Submissions (4):

Color Diagnostics, LLC DBA Color Health
Classification: Uncertain significance for Familial thoracic aortic aneurysm and aortic dissection. Last evaluated: 2025-09-18. Review status: criteria provided, single submitter. Criteria: ACMG Guidelines, 2015. Collection method: clinical testing. Allele origin: germline.
Comment: This missense variant replaces lysine with arginine at codon 1856 of the MYH11 protein. Computational prediction suggests that this variant may not impact protein structure and function. To our knowledge, functional studies have not been reported for this variant. This variant has not been reported in individuals affected with MYH11-related disorders in the literature. This variant has not been identified in the general population by the Genome Aggregation Database (gnomAD). The available evidence is insufficient to determine the role of this variant in disease conclusively. Therefore, this variant is classified as a Variant of Uncertain Significance.

Ambry Genetics
Classification: Uncertain significance for Familial thoracic aortic aneurysm and aortic dissection. Last evaluated: 2025-03-14. Review status: criteria provided, single submitter. Criteria: Ambry Variant Classification Scheme 2023. Collection method: clinical testing. Allele origin: germline.
Comment: The p.K1849R variant (also known as c.5546A>G), located in coding exon 38 of the MYH11 gene, results from an A to G substitution at nucleotide position 5546. The lysine at codon 1849 is replaced by arginine, an amino acid with highly similar properties. This amino acid position is conserved. In addition, this alteration is predicted to be tolerated by in silico analysis. Based on the available evidence, the clinical significance of this variant remains unclear.

Labcorp Genetics (formerly Invitae), Labcorp
Classification: Uncertain significance for Aortic aneurysm, familial thoracic 4. Last evaluated: 2024-06-25. Review status: criteria provided, single submitter. Criteria: Invitae Variant Classification Sherloc (09022015). Collection method: clinical testing. Allele origin: germline.
Comment: This sequence change replaces lysine, which is basic and polar, with arginine, which is basic and polar, at codon 1856 of the MYH11 protein (p.Lys1856Arg). This variant is not present in population databases (gnomAD no frequency). This variant has not been reported in the literature in individuals affected with MYH11-related conditions. ClinVar contains an entry for this variant (Variation ID: 1352146). Advanced modeling of protein sequence and biophysical properties (such as structural, functional, and spatial information, amino acid conservation, physicochemical variation, residue mobility, and thermodynamic stability) performed at Invitae indicates that this missense variant is not expected to disrupt MYH11 protein function with a negative predictive value of 95%. In summary, the available evidence is currently insufficient to determine the role of this variant in disease. Therefore, it has been classified as a Variant of Uncertain Significance.

All of Us Research Program, National Institutes of Health
Classification: Uncertain significance for Familial thoracic aortic aneurysm and aortic dissection. Last evaluated: 2024-01-11. Review status: criteria provided, single submitter. Criteria: ACMG Guidelines, 2015. Collection method: clinical testing. Allele origin: germline. Inheritance: Autosomal dominant inheritance. Observed: 4 variant alleles, 4 heterozygotes.
Comment: This missense variant replaces lysine with arginine at codon 1856 of the MYH11 protein. Computational prediction suggests that this variant may not impact protein structure and function (internally defined REVEL score threshold <= 0.5, PMID: 27666373). To our knowledge, functional studies have not been reported for this variant. This variant has not been reported in individuals affected with MYH11-related disorders in the literature. This variant has not been identified in the general population by the Genome Aggregation Database (gnomAD). The available evidence is insufficient to determine the role of this variant in disease conclusively. Therefore, this variant is classified as a Variant of Uncertain Significance.

This study involves interpretation of variants in research participants for the purpose of population health screening. Participant phenotype was not available at the time of variant classification. Additional details can be found in publication PMID: 35346344, PMCID: PMC8962531

NM_002474.3(MYH11):c.5546A>G (p.Lys1849Arg)

Genes: MYH11 (myosin heavy chain 11; minus strand), NDE1 (nudE neurodevelopment protein 1; plus strand). Cytogenetic location: 16p13.11.
Variant type: single nucleotide variant.
Coding change: c.5546A>G on transcript NM_002474.3 (MANE Select); coding-DNA position 5546, A replaced by G.
Protein change: p.Lys1849Arg; replaces lysine 1849 with arginine.
Molecular consequence: missense variant. On other transcripts: intron variant (2).
Genome position (GRCh38, 1-based): chr16:15,715,231, T>C on the plus strand (A>G on the coding strand, the complement: MYH11 is on the minus strand). VCF-style: chr16-15715231-T-C. GRCh37 (hg19) VCF-style: chr16-15809088-T-C.
Other names: c.5567A>G, p.Lys1856Arg (NM_001040113.2, NM_001040114.2); c.5546A>G, p.Lys1849Arg (NM_022844.3); c.948-8960T>C (NM_001143979.2, NM_017668.3); c.5546A>G (NM_002474.2); short protein forms K1856R, K1849R.
Identifiers: ClinVar variation 1352146 (VCV001352146.8), dbSNP rs2040060420, ClinGen allele CA394847453.